The following is an entry in ClinVar:

ClinVar aggregate classification (germline): Benign. Review status: criteria provided, single submitter (1 of 4 stars). 2 submissions from 2 submitters: Benign (1). 1 of the submissions does not count toward it. Last evaluated 2018-06-26.

Conditions:
PXDNL-related disorder. Also called: PXDNL-related condition.

Allele frequency attached by ClinVar (database versions not stated): gnomAD exomes 0.00074; ExAC 0.00093; ESP Exome Variant Server 0.00289; gnomAD 0.00310 and 0.00337; 1000 Genomes Project 0.00319; TOPMed 0.00347; 1000 Genomes Project 30x 0.00375.
gnomAD v4.1: 938 of 1,613,410 alleles (0.058%); highest among the groups gnomAD compares: African/African-American, 1.1%; 4 homozygotes.

Submissions (2):

Labcorp Genetics (formerly Invitae), Labcorp
Classification: Benign. Last evaluated: 2018-06-26. Review status: criteria provided, single submitter. Criteria: Invitae Variant Classification Sherloc (09022015). Collection method: clinical testing. Allele origin: germline.

PreventionGenetics, part of Exact Sciences
Classification: Benign for PXDNL-related condition. Last evaluated: 2019-02-27. Review status: no assertion criteria provided. Collection method: clinical testing. Allele origin: germline. Not counted in ClinVar's aggregate classification.
Comment: This variant is classified as benign based on ACMG/AMP sequence variant interpretation guidelines (Richards et al. 2015 PMID: 25741868, with internal and published modifications).

NM_144651.5(PXDNL):c.194T>A (p.Ile65Asn)

Gene: PXDNL (peroxidasin like; minus strand). Cytogenetic location: 8q11.22.
Variant type: single nucleotide variant.
Coding change: c.194T>A on transcript NM_144651.5 (MANE Select); coding-DNA position 194, T replaced by A.
Protein change: p.Ile65Asn; replaces isoleucine 65 with asparagine.
Molecular consequence: missense variant.
Genome position (GRCh38, 1-based): chr8:51,654,731, A>T on the plus strand (T>A on the coding strand, the complement: PXDNL is on the minus strand). VCF-style: chr8-51654731-A-T. GRCh37 (hg19) VCF-style: chr8-52567291-A-T.
Other names: short protein forms I65N.
Identifiers: ClinVar variation 790056 (VCV000790056.5), dbSNP rs115225788, ClinGen allele CA4745724.